The following is an entry in ClinVar:

ClinVar aggregate classification (germline): Uncertain significance. Review status: criteria provided, single submitter (1 of 4 stars). 2 submissions from 2 submitters: Uncertain significance (1). 1 of the submissions does not count toward it. Last evaluated 2021-08-30.

Conditions:
Neuromuscular disease caused by qualitative or quantitative defects of dysferlin. Also called: Qualitative or quantitative defects of dysferlin; Dysferlinopathy. Identifiers: Orphanet 207073, MedGen C2931687, MONDO:0016145.
Autosomal recessive limb-girdle muscular dystrophy type 2B (LGMDR2). Also called: MUSCULAR DYSTROPHY, LIMB-GIRDLE, AUTOSOMAL RECESSIVE 2; Limb-Girdle Muscular Dystrophy Type 2B (LGMD2B); Limb-girdle muscular dystrophy, type 2B; MUSCULAR DYSTROPHY, LIMB-GIRDLE, TYPE 3. Identifiers: Orphanet 268, MedGen C1850889, MONDO:0009676, OMIM 253601.

Allele frequency attached by ClinVar (database versions not stated): ExAC 0.00002; gnomAD exomes 0.00002.
gnomAD v4.1: 8 of 1,614,198 alleles (0.0005%); highest among the groups gnomAD compares: South Asian, 0.0088%; no homozygotes.

Submissions (2):

Labcorp Genetics (formerly Invitae), Labcorp
Classification: Uncertain significance for Neuromuscular disease caused by qualitative or quantitative defects of dysferlin. Last evaluated: 2021-08-30. Review status: criteria provided, single submitter. Criteria: Invitae Variant Classification Sherloc (09022015). Collection method: clinical testing. Allele origin: germline.
Comment: This sequence change replaces threonine with isoleucine at codon 602 of the DYSF protein (p.Thr602Ile). The threonine residue is moderately conserved and there is a moderate physicochemical difference between threonine and isoleucine. This variant is present in population databases (rs767805308, ExAC 0.02%). This variant has not been reported in the literature in individuals affected with DYSF-related conditions. Algorithms developed to predict the effect of missense changes on protein structure and function are either unavailable or do not agree on the potential impact of this missense change (SIFT: "Deleterious"; PolyPhen-2: "Benign"; Align-GVGD: "Class C0"). In summary, the available evidence is currently insufficient to determine the role of this variant in disease. Therefore, it has been classified as a Variant of Uncertain Significance.

Natera, Inc.
Classification: Uncertain significance for Limb-girdle muscular dystrophy type 2B. Last evaluated: 2020-01-22. Review status: no assertion criteria provided. Collection method: clinical testing. Allele origin: germline. Not counted in ClinVar's aggregate classification.

NM_001130987.2(DYSF):c.1859C>T (p.Thr620Ile)

Gene: DYSF (dysferlin; plus strand). Cytogenetic location: 2p13.2.
Variant type: single nucleotide variant.
Coding change: c.1859C>T on transcript NM_001130987.2 (MANE Select); coding-DNA position 1859, C replaced by T.
Protein change: p.Thr620Ile; replaces threonine 620 with isoleucine.
Molecular consequence: missense variant.
Genome position (GRCh38, 1-based): chr2:71,553,063, C>T. VCF-style: chr2-71553063-C-T. GRCh37 (hg19) VCF-style: chr2-71780193-C-T.
Other names: c.1808C>T, p.Thr603Ile (NM_001130455.2, NM_001130983.2); c.1763C>T, p.Thr588Ile (NM_001130976.2, NM_001130977.2); c.1805C>T, p.Thr602Ile (NM_001130978.2, NM_003494.4); c.1898C>T, p.Thr633Ile (NM_001130979.2); c.1856C>T, p.Thr619Ile (NM_001130980.2, NM_001130981.2); c.1901C>T, p.Thr634Ile (NM_001130982.2); c.1766C>T, p.Thr589Ile (NM_001130984.2, NM_001130986.2); c.1859C>T, p.Thr620Ile (NM_001130985.2); short protein forms T602I, T603I, T620I, T634I, T588I, T589I, T619I, T633I.
Identifiers: ClinVar variation 646906 (VCV000646906.7), dbSNP rs767805308, ClinGen allele CA1705971.